The following is an entry in ClinVar:

NM_001457.4(FLNB):c.1321C>A (p.Pro441Thr)

Gene: FLNB (filamin B; plus strand). Cytogenetic location: 3p14.3.
Variant type: single nucleotide variant.
Coding change: c.1321C>A on transcript NM_001457.4 (MANE Select); coding-DNA position 1321, C replaced by A.
Protein change: p.Pro441Thr; replaces proline 441 with threonine.
Molecular consequence: missense variant.
Genome position (GRCh38, 1-based): chr3:58,098,884, C>A. VCF-style: chr3-58098884-C-A. GRCh37 (hg19) VCF-style: chr3-58084611-C-A.
Other names: c.1321C>A, p.Pro441Thr (NM_001164317.2, NM_001164318.2, NM_001164319.2); short protein forms P441T.
Identifiers: ClinVar variation 4078661 (VCV004078661.3).

ClinVar aggregate classification (germline): Uncertain significance. Review status: criteria provided, multiple submitters, no conflicts (2 of 4 stars). 3 submissions from 3 submitters: Uncertain significance (3). Last evaluated 2025-11-22.

gnomAD v4.1: 4 of 1,613,938 alleles (0.00025%); highest among the groups gnomAD compares: Admixed American, 0.0017%; no homozygotes.

Submissions (3):

Labcorp Genetics (formerly Invitae), Labcorp
Classification: Uncertain significance. Last evaluated: 2025-11-22. Review status: criteria provided, single submitter. Criteria: Invitae Variant Classification Sherloc (09022015). Collection method: clinical testing. Allele origin: germline.
Comment: This sequence change replaces proline, which is neutral and non-polar, with threonine, which is neutral and polar, at codon 441 of the FLNB protein (p.Pro441Thr). This variant is present in population databases (rs745588918, gnomAD 0.003%). This missense change has been observed in individual(s) with non-syndromic orofacial clefts (PMID: 37003352). ClinVar contains an entry for this variant (Variation ID: 4078661). Invitae Evidence Modeling of protein sequence and biophysical properties (such as structural, functional, and spatial information, amino acid conservation, physicochemical variation, residue mobility, and thermodynamic stability) has been performed for this missense variant. However, the output from this modeling did not meet the statistical confidence thresholds required to predict the impact of this variant on FLNB protein function. Experimental studies have shown that this missense change affects FLNB function (PMID: 37003352). In summary, the available evidence is currently insufficient to determine the role of this variant in disease. Therefore, it has been classified as a Variant of Uncertain Significance.

Women's Health and Genetics/Laboratory Corporation of America, LabCorp
Classification: Uncertain significance. Last evaluated: 2025-11-06. Review status: criteria provided, single submitter. Criteria: LabCorp Variant Classification Summary - May 2015. Collection method: clinical testing. Allele origin: germline.
Comment: Variant summary: FLNB c.1321C>A (p.Pro441Thr) results in a non-conservative amino acid change located in the Filamin/ABP280 repeat domain (IPR001298) of the encoded protein sequence. Algorithms developed to predict the effect of missense changes on protein structure and function all suggest that this variant is likely to be disruptive. The variant allele was found at a frequency of 8e-06 in 249912 control chromosomes (gnomAD). c.1321C>A has been observed in a family in two individuals affected with non-syndromic orofacial cleft (Huang_2024). This publication also reported experimental evidence evaluating an impact on protein function, and demonstrated reduced cell stretching ability in transfected cells, suggesting that the variant may impair the function of FLNB in vitro (Huang_2024). The following publication has been ascertained in the context of this evaluation (PMID: 37003352). ClinVar contains an entry for this variant (Variation ID: 4078661). Based on the evidence outlined above, the variant was classified as uncertain significance.

Revvity Omics, Revvity
Classification: Uncertain significance. Last evaluated: 2024-05-02. Review status: criteria provided, single submitter. Criteria: ACMG Guidelines, 2015. Collection method: clinical testing. Allele origin: germline.

Literature cited by the submitters: PubMed 37003352 (cited by Labcorp Genetics (formerly Invitae), Labcorp and Women's Health and Genetics/Laboratory Corporation of America, LabCorp).